The following is an entry in ClinVar:

NM_206937.2(LIG4):c.353C>G (p.Thr118Ser)

Gene: LIG4 (DNA ligase 4; minus strand). Cytogenetic location: 13q33.3.
Variant type: single nucleotide variant.
Coding change: c.353C>G on transcript NM_206937.2 (MANE Select); coding-DNA position 353, C replaced by G.
Protein change: p.Thr118Ser; replaces threonine 118 with serine.
Molecular consequence: missense variant.
Genome position (GRCh38, 1-based): chr13:108,210,916, G>C on the plus strand (C>G on the coding strand, the complement: LIG4 is on the minus strand). VCF-style: chr13-108210916-G-C. GRCh37 (hg19) VCF-style: chr13-108863264-G-C.
Other names: c.353C>G, p.Thr118Ser (NM_001098268.2, NM_001352598.2, NM_001352599.2 and 6 more transcripts); c.152C>G, p.Thr51Ser (NM_001330595.2); c.389C>G, p.Thr130Ser (NM_001352604.2); short protein forms T51S, T118S, T130S.
Identifiers: ClinVar variation 1468661 (VCV001468661.8), dbSNP rs2138980126, ClinGen allele CA388623407.

ClinVar aggregate classification (germline): Uncertain significance (1 of 4 stars; one submission).

Conditions:
DNA ligase IV deficiency. Identifiers: Orphanet 99812, MedGen C1847827, MONDO:0011686, OMIM 606593.

gnomAD v4.1: 1 of 1,613,974 alleles (0.000062%); highest among the groups gnomAD compares: Non-Finnish European, 0.000085%; no homozygotes.

Submission:

Labcorp Genetics (formerly Invitae), Labcorp
Classification: Uncertain significance for DNA ligase IV deficiency. Last evaluated: 2021-01-08. Review status: criteria provided, single submitter. Criteria: Invitae Variant Classification Sherloc (09022015). Collection method: clinical testing. Allele origin: germline.
Comment: In summary, the available evidence is currently insufficient to determine the role of this variant in disease. Therefore, it has been classified as a Variant of Uncertain Significance. Algorithms developed to predict the effect of missense changes on protein structure and function (SIFT, PolyPhen-2, Align-GVGD) all suggest that this variant is likely to be tolerated, but these predictions have not been confirmed by published functional studies and their clinical significance is uncertain. This variant has not been reported in the literature in individuals with LIG4-related conditions. This sequence change replaces threonine with serine at codon 118 of the LIG4 protein (p.Thr118Ser). The threonine residue is weakly conserved and there is a small physicochemical difference between threonine and serine. This variant is not present in population databases (ExAC no frequency).